The following is an entry in ClinVar:

ClinVar aggregate classification (germline): Uncertain significance (1 of 4 stars; one submission).

Conditions:
Bethlem myopathy 1A. Also called: Bethlem myopathy 1; Bethlem Muscular Dystrophy; MYOPATHY, BENIGN CONGENITAL, WITH CONTRACTURES. Identifiers: Orphanet 610, MedGen CN029274, MONDO:0024530, OMIM 158810.

gnomAD v4.1: 1 of 1,614,266 alleles (0.000062%); highest among the groups gnomAD compares: Non-Finnish European, 0.000085%; no homozygotes.

Submission:

Labcorp Genetics (formerly Invitae), Labcorp
Classification: Uncertain significance for Bethlem myopathy 1A. Last evaluated: 2025-12-14. Review status: criteria provided, single submitter. Criteria: Invitae Variant Classification Sherloc (09022015). Collection method: clinical testing. Allele origin: germline.
Comment: This sequence change replaces asparagine, which is neutral and polar, with serine, which is neutral and polar, at codon 1792 of the COL6A3 protein (p.Asn1792Ser). This variant is present in population databases (no rsID available, gnomAD 0.0009%). This variant has not been reported in the literature in individuals affected with COL6A3-related conditions. Invitae Evidence Modeling of protein sequence and biophysical properties (such as structural, functional, and spatial information, amino acid conservation, physicochemical variation, residue mobility, and thermodynamic stability) indicates that this missense variant is not expected to disrupt COL6A3 protein function with a negative predictive value of 80%. In summary, the available evidence is currently insufficient to determine the role of this variant in disease. Therefore, it has been classified as a Variant of Uncertain Significance.

NM_004369.4(COL6A3):c.5375A>G (p.Asn1792Ser)

Gene: COL6A3 (collagen type VI alpha 3 chain; minus strand). Cytogenetic location: 2q37.3.
Variant type: single nucleotide variant.
Coding change: c.5375A>G on transcript NM_004369.4 (MANE Select); coding-DNA position 5375, A replaced by G.
Protein change: p.Asn1792Ser; replaces asparagine 1792 with serine.
Molecular consequence: missense variant.
Genome position (GRCh38, 1-based): chr2:237,366,812, T>C on the plus strand (A>G on the coding strand, the complement: COL6A3 is on the minus strand). VCF-style: chr2-237366812-T-C. GRCh37 (hg19) VCF-style: chr2-238275455-T-C.
Other names: c.3554A>G, p.Asn1185Ser (NM_057166.5); c.4757A>G, p.Asn1586Ser (NM_057167.4); short protein forms N1185S, N1586S, N1792S.
Identifiers: ClinVar variation 4766156 (VCV004766156.1).